The following is an entry in ClinVar:

NM_001430.5(EPAS1):c.2510C>G (p.Pro837Arg)

Gene: EPAS1 (endothelial PAS domain protein 1; plus strand). Cytogenetic location: 2p21.
Variant type: single nucleotide variant.
Coding change: c.2510C>G on transcript NM_001430.5 (MANE Select); coding-DNA position 2510, C replaced by G.
Protein change: p.Pro837Arg; replaces proline 837 with arginine.
Molecular consequence: missense variant.
Genome position (GRCh38, 1-based): chr2:46,384,557, C>G. VCF-style: chr2-46384557-C-G. GRCh37 (hg19) VCF-style: chr2-46611696-C-G.
Other names: short protein forms P837R.
Identifiers: ClinVar variation 3508968 (VCV003508968.1).

ClinVar aggregate classification (germline): Uncertain significance (1 of 4 stars; one submission).

Conditions:
Inborn genetic diseases. Identifiers: MedGen C0950123, MeSH D030342.

Submission:

Ambry Genetics
Classification: Uncertain significance for Inborn genetic diseases. Last evaluated: 2024-08-12. Review status: criteria provided, single submitter. Criteria: Ambry Variant Classification Scheme 2023. Collection method: clinical testing. Allele origin: germline.
Comment: The p.P837R variant (also known as c.2510C>G), located in coding exon 16 of the EPAS1 gene, results from a C to G substitution at nucleotide position 2510. The proline at codon 837 is replaced by arginine, an amino acid with dissimilar properties. This amino acid position is conserved. In addition, this alteration is predicted to be deleterious by in silico analysis. Based on the available evidence, the clinical significance of this variant remains unclear.